The following is an entry in ClinVar:

ClinVar aggregate classification (germline): Uncertain significance (1 of 4 stars; one submission).

Conditions:
Myofibrillar myopathy 3 (MFM3). Also called: Muscular dystrophy, proximal, type 1A; Autosomal dominant spheroid body myopathy. Identifiers: Orphanet 266, Orphanet 268129, MedGen C3714934, MONDO:0012215, OMIM 609200.

gnomAD v4.1: 1 of 1,614,202 alleles (0.000062%); highest among the groups gnomAD compares: Non-Finnish European, 0.000085%; no homozygotes.

Submission:

Labcorp Genetics (formerly Invitae), Labcorp
Classification: Uncertain significance for Myofibrillar myopathy 3. Last evaluated: 2025-08-17. Review status: criteria provided, single submitter. Criteria: Invitae Variant Classification Sherloc (09022015). Collection method: clinical testing. Allele origin: germline.
Comment: This sequence change replaces glycine, which is neutral and non-polar, with valine, which is neutral and non-polar, at codon 264 of the MYOT protein (p.Gly264Val). This variant is not present in population databases (gnomAD no frequency). This variant has not been reported in the literature in individuals affected with MYOT-related conditions. Invitae Evidence Modeling of protein sequence and biophysical properties (such as structural, functional, and spatial information, amino acid conservation, physicochemical variation, residue mobility, and thermodynamic stability) indicates that this missense variant is expected to disrupt MYOT protein function with a positive predictive value of 80%. Algorithms developed to predict the effect of sequence changes on RNA splicing suggest that this variant may disrupt the consensus splice site. In summary, the available evidence is currently insufficient to determine the role of this variant in disease. Therefore, it has been classified as a Variant of Uncertain Significance.

NM_006790.3(MYOT):c.791G>T (p.Gly264Val)

Genes: PKD2L2-DT (PKD2L2 divergent transcript; minus strand), MYOT (myotilin; plus strand). Cytogenetic location: 5q31.2.
Variant type: single nucleotide variant.
Coding change: c.791G>T on transcript NM_006790.3 (MANE Select); coding-DNA position 791, G replaced by T.
Protein change: p.Gly264Val; replaces glycine 264 with valine.
Molecular consequence: missense variant.
Genome position (GRCh38, 1-based): chr5:137,882,080, G>T. VCF-style: chr5-137882080-G-T. GRCh37 (hg19) VCF-style: chr5-137217769-G-T.
Other names: c.239G>T, p.Gly80Val (NM_001135940.2); c.446G>T, p.Gly149Val (NM_001300911.2); short protein forms G149V, G264V, G80V.
Identifiers: ClinVar variation 4802087 (VCV004802087.1).